The following is an entry in ClinVar:

NM_001267550.2(TTN):c.55522G>T (p.Gly18508Ter)

Genes: TTN (titin; minus strand), TTN-AS1 (TTN antisense RNA 1; plus strand). Cytogenetic location: 2q31.2.
Variant type: single nucleotide variant.
Coding change: c.55522G>T on transcript NM_001267550.2 (MANE Select); coding-DNA position 55522, G replaced by T.
Protein change: p.Gly18508Ter; replaces glycine 18508 with a stop codon.
Molecular consequence: nonsense.
Genome position (GRCh38, 1-based): chr2:178,601,475, C>A on the plus strand (G>T on the coding strand, the complement: TTN is on the minus strand). VCF-style: chr2-178601475-C-A. GRCh37 (hg19) VCF-style: chr2-179466202-C-A.
Other names: c.50599G>T, p.Gly16867Ter (NM_001256850.1); c.28327G>T, p.Gly9443Ter (NM_003319.4); c.47818G>T, p.Gly15940Ter (NM_133378.4); c.28702G>T, p.Gly9568Ter (NM_133432.3); c.28903G>T, p.Gly9635Ter (NM_133437.4); short protein forms G15940*, G16867*, G9443*, G18508*, G9568*, G9635*.
Identifiers: ClinVar variation 3463748 (VCV003463748.1).

ClinVar aggregate classification (germline): Likely pathogenic (1 of 4 stars; one submission).

Conditions:
Cardiovascular phenotype. Identifiers: MedGen CN230736.

Submission:

Ambry Genetics
Classification: Likely pathogenic for Cardiovascular phenotype. Last evaluated: 2024-08-14. Review status: criteria provided, single submitter. Criteria: Ambry Variant Classification Scheme 2023. Collection method: clinical testing. Allele origin: germline.
Comment: The p.G9443* variant (also known as c.28327G>T), located in coding exon 114 of the TTN gene, results from a G to T substitution at nucleotide position 28327. This changes the amino acid from a glycine to a stop codon within coding exon 114. This exon is located in the A-band region of the N2-B isoform of the titin protein and is constitutively expressed in TTN transcripts (percent spliced in or PSI 100%). This alteration is expected to result in loss of function by premature protein truncation or nonsense-mediated mRNA decay. While truncating variants in TTN are present in 1-3% of the general population, truncating variants in the A-band are the most common cause of dilated cardiomyopathy (DCM) (Herman DS et al. N. Engl. J. Med., 2012 Feb;366:619-28; Roberts AM et al. Sci Transl Med, 2015 Jan;7:270ra6). TTN truncating variants encoded in constitutive exons (PSI >90%) have been found to be significantly associated with DCM regardless of their position in titin (Schafer S et al. Nat. Genet., 2017 01;49:46-53). This variant is considered to be rare based on population cohorts in the Genome Aggregation Database (gnomAD). Based on the majority of available evidence to date, this variant is likely to be pathogenic.